The following is an entry in ClinVar:

NM_207037.2(TCF12):c.1643_1647del (p.Glu548fs)

Gene: TCF12 (transcription factor 12; plus strand). Cytogenetic location: 15q21.3.
Variant type: Deletion.
Coding change: c.1643_1647del on transcript NM_207037.2 (MANE Select); coding-DNA positions 1643 to 1647, 5 bases deleted (AAAAG; older notation c.1643_1647delAAAAG).
Protein change: p.Glu548fs; shifts the reading frame from glutamic acid 548.
Molecular consequence: frameshift variant.
Genome position (GRCh38, 1-based): chr15:57,263,172-57,263,176, AAAAG deleted; deleting any 5 consecutive bases within chr15:57,263,168-57,263,176 gives the same sequence; the c. name uses the placement nearest the transcript's 3' end. VCF-style (leftmost placement, unchanged base first): chr15-57263167-CAAAGA-C. GRCh37 (hg19) VCF-style: chr15-57555365-CAAAGA-C.
Other names: c.1133_1137del, p.Glu378fs (NM_001306219.3); c.863_867del, p.Glu288fs (NM_001306220.3); c.1643_1647del, p.Glu548fs (NM_001322151.2, NM_001322152.2, NM_001322159.3 and 2 more transcripts); c.986_990del, p.Glu329fs (NM_001322154.2); c.1469_1473del, p.Glu490fs (NM_001322156.2); c.1571_1575del, p.Glu524fs (NM_001322157.3, NM_001322165.2, NM_003205.4 and 1 more transcripts); c.1397_1401del, p.Glu466fs (NM_001322158.2); c.1640_1644del, p.Glu547fs (NM_001322161.2); and 2 more; short protein forms E288fs, E329fs, E354fs, E378fs, E466fs, E490fs, E524fs, E536fs.
Identifiers: ClinVar variation 1344584 (VCV001344584.4), dbSNP rs2152060519, ClinGen allele CA2573151013.

ClinVar aggregate classification (germline): Pathogenic. Review status: criteria provided, single submitter (1 of 4 stars). 2 submissions from 2 submitters: Pathogenic (1). 1 of the submissions does not count toward it. Last evaluated 2023-09-27.

Conditions:
Craniosynostosis syndrome. Also called: Craniosynostosis. Identifiers: Orphanet 1531, MedGen C0010278, MeSH D003398, MONDO:0015469, HP:0001363.

Submissions (2):

Labcorp Genetics (formerly Invitae), Labcorp
Classification: Pathogenic. Last evaluated: 2023-09-27. Review status: criteria provided, single submitter. Criteria: Invitae Variant Classification Sherloc (09022015). Collection method: clinical testing. Allele origin: germline.
Comment: For these reasons, this variant has been classified as Pathogenic. This sequence change creates a premature translational stop signal (p.Glu548Glyfs*2) in the TCF12 gene. It is expected to result in an absent or disrupted protein product. Loss-of-function variants in TCF12 are known to be pathogenic (PMID: 23354436, 32620954). This variant is not present in population databases (gnomAD no frequency). This variant has not been reported in the literature in individuals affected with TCF12-related conditions. ClinVar contains an entry for this variant (Variation ID: 1344584).

Yale Center for Mendelian Genomics, Yale University
Classification: Pathogenic for Craniosynostosis syndrome. Last evaluated: 2018-01-01. Review status: no assertion criteria provided. Collection method: literature only. Allele origin: de novo. Affected: yes. Observed: 1 heterozygote. Study: Yale Center for Mendelian Genomics. Not counted in ClinVar's aggregate classification.

Literature cited by the submitters: PubMed 23354436 (cited by Labcorp Genetics (formerly Invitae), Labcorp); PubMed 32620954 (cited by Labcorp Genetics (formerly Invitae), Labcorp); PubMed 30038786 (cited by Yale Center for Mendelian Genomics, Yale University).